The following is an entry in ClinVar:

NM_004082.5(DCTN1):c.347T>C (p.Val116Ala)

Gene: DCTN1 (dynactin subunit 1; minus strand). Cytogenetic location: 2p13.1.
Variant type: single nucleotide variant.
Coding change: c.347T>C on transcript NM_004082.5 (MANE Select); coding-DNA position 347, T replaced by C.
Protein change: p.Val116Ala; replaces valine 116 with alanine.
Molecular consequence: missense variant. On other transcripts: non-coding transcript variant (1).
Genome position (GRCh38, 1-based): chr2:74,377,659, A>G on the plus strand (T>C on the coding strand, the complement: DCTN1 is on the minus strand). VCF-style: chr2-74377659-A-G. GRCh37 (hg19) VCF-style: chr2-74604786-A-G.
Other names: c.347T>C, p.Val116Ala (NM_001135040.3, NM_001190837.2); c.296T>C, p.Val99Ala (NM_001190836.2, NM_001378991.1, NM_001378992.1); short protein forms V116A, V99A.
Identifiers: ClinVar variation 3756345 (VCV003756345.2).
Genomic context (GRCh38, chr2:74,377,659, plus strand): 5'-GGGACTCCTCCTGGCTATGGGGAGGCAACTTTAAGTGGGTGGTTGTTACCTCTTTTGAGG[A>G]CTTTTGAAGCAGAAGAATCAGGTGTCTCTGGGGAAGTAGTATCTGCTCCATCTTCAAATA-3'
Protein context (NP_004073.2, residues 106-126): PETPDSSASK[Val116Ala]LKREGTDTTA

ClinVar aggregate classification (germline): Uncertain significance (1 of 4 stars; one submission).

Conditions:
Amyotrophic lateral sclerosis type 1 (ALS1). Also called: AMYOTROPHIC LATERAL SCLEROSIS 1, FAMILIAL. Identifiers: Orphanet 803, MedGen C1862939, MONDO:0007103, OMIM 105400.
Neuronopathy, distal hereditary motor, type 7B. Also called: HMN VIIB; LOWER MOTOR NEURON DISEASE, DYNACTIN TYPE; NEURONOPATHY, DISTAL HEREDITARY MOTOR, AUTOSOMAL DOMINANT 14; NEURONOPATHY, DISTAL HEREDITARY MOTOR, HARDING TYPE VIIB; NEUROPATHY, DISTAL HEREDITARY MOTOR, HARDING TYPE VIIB; NEUROPATHY, DISTAL HEREDITARY MOTOR, WITH VOCAL CORD PARALYSIS, HARDING TYPE VIIB. Identifiers: Orphanet 139589, MedGen C1843315, MONDO:0011879, OMIM 607641.
Perry syndrome. Also called: PARKINSONISM WITH ALVEOLAR HYPOVENTILATION AND MENTAL DEPRESSION. Identifiers: Orphanet 178509, MedGen C1868594, MONDO:0008201, OMIM 168605.

Submission:

Labcorp Genetics (formerly Invitae), Labcorp
Classification: Uncertain significance for Amyotrophic lateral sclerosis type 1; Neuronopathy, distal hereditary motor, type 7B; Perry syndrome. Last evaluated: 2024-05-14. Review status: criteria provided, single submitter. Criteria: Invitae Variant Classification Sherloc (09022015). Collection method: clinical testing. Allele origin: germline.
Comment: This sequence change replaces valine, which is neutral and non-polar, with alanine, which is neutral and non-polar, at codon 116 of the DCTN1 protein (p.Val116Ala). This variant is not present in population databases (gnomAD no frequency). This variant has not been reported in the literature in individuals affected with DCTN1-related conditions. Advanced modeling of protein sequence and biophysical properties (such as structural, functional, and spatial information, amino acid conservation, physicochemical variation, residue mobility, and thermodynamic stability) performed at Invitae indicates that this missense variant is not expected to disrupt DCTN1 protein function with a negative predictive value of 80%. In summary, the available evidence is currently insufficient to determine the role of this variant in disease. Therefore, it has been classified as a Variant of Uncertain Significance.